The following is an entry in ClinVar:

NM_003859.3(DPM1):c.127A>G (p.Ile43Val)

Genes: DPM1 (dolichyl-phosphate mannosyltransferase subunit 1, catalytic; minus strand), LOC130066166 (ATAC-STARR-seq lymphoblastoid active region 18108; plus strand). Cytogenetic location: 20q13.13.
Variant type: single nucleotide variant.
Coding change: c.127A>G on transcript NM_003859.3 (MANE Select); coding-DNA position 127, A replaced by G.
Protein change: p.Ile43Val; replaces isoleucine 43 with valine.
Molecular consequence: missense variant. On other transcripts: non-coding transcript variant (1).
Genome position (GRCh38, 1-based): chr20:50,958,397, T>C on the plus strand (A>G on the coding strand, the complement: DPM1 is on the minus strand). VCF-style: chr20-50958397-T-C. GRCh37 (hg19) VCF-style: chr20-49574934-T-C.
Other names: c.127A>G, p.Ile43Val (NM_001317034.1, NM_001317035.1, NM_001317036.1); short protein forms I43V.
Identifiers: ClinVar variation 1422879 (VCV001422879.6), dbSNP rs769480044, ClinGen allele CA9909230.

ClinVar aggregate classification (germline): Uncertain significance (1 of 4 stars; one submission).

Conditions:
Congenital disorder of glycosylation type 1E (CDG1E). Also called: CONGENITAL DISORDER OF GLYCOSYLATION, TYPE Ie; CDG Ie. Identifiers: Orphanet 79322, MedGen C1837396, MONDO:0012123, OMIM 608799.

Allele frequency attached by ClinVar (database versions not stated): ExAC 0.00001.
gnomAD v4.1: 10 of 1,614,030 alleles (0.00062%); highest among the groups gnomAD compares: South Asian, 0.0088%; no homozygotes.

Submission:

Labcorp Genetics (formerly Invitae), Labcorp
Classification: Uncertain significance for Congenital disorder of glycosylation type 1E. Last evaluated: 2022-06-27. Review status: criteria provided, single submitter. Criteria: Invitae Variant Classification Sherloc (09022015). Collection method: clinical testing. Allele origin: germline.
Comment: Algorithms developed to predict the effect of missense changes on protein structure and function output the following: SIFT: "Tolerated"; PolyPhen-2: "Benign"; Align-GVGD: "Class C0". The valine amino acid residue is found in multiple mammalian species, which suggests that this missense change does not adversely affect protein function. In summary, the available evidence is currently insufficient to determine the role of this variant in disease. Therefore, it has been classified as a Variant of Uncertain Significance. This variant has not been reported in the literature in individuals affected with DPM1-related conditions. This variant is present in population databases (rs769480044, gnomAD 0.006%). This sequence change replaces isoleucine, which is neutral and non-polar, with valine, which is neutral and non-polar, at codon 43 of the DPM1 protein (p.Ile43Val).